The following is an entry in ClinVar:

NM_005984.5(SLC25A1):c.267C>T (p.Ser89=)

Gene: SLC25A1 (solute carrier family 25 member 1; minus strand). Cytogenetic location: 22q11.21.
Variant type: single nucleotide variant.
Coding change: c.267C>T on transcript NM_005984.5 (MANE Select); coding-DNA position 267, C replaced by T.
Protein change: p.Ser89=; no amino-acid change (serine 89 retained).
Molecular consequence: synonymous variant. On other transcripts: 5 prime UTR variant (1), non-coding transcript variant (1).
Genome position (GRCh38, 1-based): chr22:19,177,977, G>A on the plus strand (C>T on the coding strand, the complement: SLC25A1 is on the minus strand). VCF-style: chr22-19177977-G-A. GRCh37 (hg19) VCF-style: chr22-19165490-G-A.
Other names: c.288C>T, p.Ser96= (NM_001256534.2); c.-43C>T (NM_001287387.2).
Identifiers: ClinVar variation 513166 (VCV000513166.2), dbSNP rs953111140, ClinGen allele CA321346079.

ClinVar aggregate classification (germline): Likely benign. Review status: criteria provided, multiple submitters, no conflicts (2 of 4 stars). 2 submissions from 2 submitters: Likely benign (2). Last evaluated 2024-10-01.

Allele frequency attached by ClinVar (database versions not stated): gnomAD 0.00001 and 0.00003; gnomAD exomes 0.00001; TOPMed 0.00001.
gnomAD v4.1: 7 of 1,604,628 alleles (0.00044%); highest among the groups gnomAD compares: South Asian, 0.0011%; no homozygotes.

Submissions (2):

Blueprint Genetics
Classification: Likely benign. Last evaluated: 2024-10-01. Review status: criteria provided, single submitter. Criteria: ACMG Guidelines, 2015. Collection method: clinical testing. Allele origin: germline.

GeneDx
Classification: Likely benign. Last evaluated: 2017-11-16. Review status: criteria provided, single submitter. Criteria: GeneDx Variant Classification (06012015). Collection method: clinical testing. Allele origin: germline. Affected: yes.
Comment: This variant is considered likely benign or benign based on one or more of the following criteria: it is a conservative change, it occurs at a poorly conserved position in the protein, it is predicted to be benign by multiple in silico algorithms, and/or has population frequency not consistent with disease.